The following is an entry in ClinVar:

ClinVar aggregate classification (germline): Pathogenic. Review status: criteria provided, multiple submitters, no conflicts (2 of 4 stars). 7 submissions from 7 submitters: Pathogenic (7). Last evaluated 2025-06-23.

Conditions:
Glycogen storage disease type III (GSD3). Also called: Cori disease; FORBES DISEASE. Identifiers: Orphanet 366, MedGen C0017922, MONDO:0009291, OMIM 232400.
AGL-related disorder. Also called: AGL-related condition.

Submissions (7):

Natera, Inc.
Classification: Pathogenic for Glycogen storage disease type III. Last evaluated: 2025-06-23. Review status: criteria provided, single submitter. Criteria: Natera Variant Classification Schema (03/2026). Collection method: clinical testing. Allele origin: germline.
Comment: The c.4221del variant in AGL is a frameshift variant predicted to shift the reading frame beginning at codon 1407 and leads to a stop codon 8 codons downstream. This variant is expected to result in nonsense mediated decay, truncation, or a dysfunctional protein product. This variant is rare in the general population with a frequency below the threshold expected for the associated phenotype(s). This variant has been observed in one or more individuals affected with the associated recessive disease, as either homozygous or compound heterozygous with a second variant (PMID: 20490926). Additionally, this variant has been observed to segregate in affected family members (PMID: 20490926). Given the available evidence, this variant is classified as Pathogenic.

Labcorp Genetics (formerly Invitae), Labcorp
Classification: Pathogenic for Glycogen storage disease type III. Last evaluated: 2025-03-13. Review status: criteria provided, single submitter. Criteria: Invitae Variant Classification Sherloc (09022015). Collection method: clinical testing. Allele origin: germline.
Comment: This sequence change creates a premature translational stop signal (p.Lys1407Asnfs*8) in the AGL gene. It is expected to result in an absent or disrupted protein product. Loss-of-function variants in AGL are known to be pathogenic (PMID: 19299494). The frequency data for this variant in the population databases is considered unreliable, as metrics indicate poor data quality at this position in the gnomAD database. This premature translational stop signal has been observed in individual(s) with glycogen storage disease type III (PMID: 17994282, 20490926). ClinVar contains an entry for this variant (Variation ID: 633033). For these reasons, this variant has been classified as Pathogenic.

Blueprint Genetics
Classification: Pathogenic for AGL-related disorders. Last evaluated: 2023-11-08. Review status: criteria provided, single submitter. Criteria: ACMG Guidelines, 2015. Collection method: clinical testing. Allele origin: germline. Affected: yes. Observed: 2 variant alleles.

Baylor Genetics
Classification: Pathogenic for Glycogen storage disease type III. Last evaluated: 2023-07-19. Review status: criteria provided, single submitter. Criteria: ACMG Guidelines, 2015. Collection method: clinical testing. Allele origin: unknown.

Genome-Nilou Lab
Classification: Pathogenic for Glycogen storage disease type III. Last evaluated: 2021-07-15. Review status: criteria provided, single submitter. Criteria: ACMG Guidelines, 2015. Collection method: clinical testing. Allele origin: germline. Affected: no.

Mendelics
Classification: Pathogenic for Glycogen storage disease type III. Last evaluated: 2019-05-28. Review status: criteria provided, single submitter. Criteria: Mendelics Assertion Criteria 2017. Collection method: clinical testing. Allele origin: unknown.

Women's Health and Genetics/Laboratory Corporation of America, LabCorp
Classification: Pathogenic for Glycogen storage disease type III. Last evaluated: 2017-11-20. Review status: criteria provided, single submitter. Criteria: LabCorp Variant Classification Summary - May 2015. Collection method: clinical testing. Allele origin: germline.
Comment: Variant summary: The AGL c.4221delA (p.Lys1407AsnfsX8) variant results in a premature termination codon, predicted to cause a truncated or absent AGL protein due to nonsense mediated decay, which are commonly known mechanisms for disease. Truncations downstream of this position have been classified as pathogenic by our laboratory (e.g. c.4529dupA, p.Tyr1510X). One in silico tool predicts a damaging outcome for this variant. The variant has been reported in affected individuals in the literature who carry second pathogenic variants and have <10% WT level of AGL enzyme activity (Paesold-Burda_2007, Crushell_2010). This variant is absent in 246038 control chromosomes. Taken together, this variant is classified as pathogenic.

Literature cited by the submitters: PubMed 20490926 (cited by 3 submitters); PubMed 19299494 (cited by Labcorp Genetics (formerly Invitae), Labcorp); PubMed 17994282 (cited by Labcorp Genetics (formerly Invitae), Labcorp and Women's Health and Genetics/Laboratory Corporation of America, LabCorp).

NM_000642.3(AGL):c.4221del (p.Lys1407fs)

Gene: AGL (amylo-alpha-1,6-glucosidase and 4-alpha-glucanotransferase; plus strand). Cytogenetic location: 1p21.2.
Variant type: Deletion.
Coding change: c.4221del on transcript NM_000642.3 (MANE Select); coding-DNA position 4221, one base deleted (A; older notation c.4221delA).
Protein change: p.Lys1407fs; shifts the reading frame from lysine 1407.
Molecular consequence: frameshift variant.
Genome position (GRCh38, 1-based): chr1:99,915,448, A deleted; the last of 8 consecutive A bases (chr1:99,915,441-99,915,448); deleting any one gives the same sequence. VCF-style (leftmost placement, unchanged base first): chr1-99915440-GA-G. GRCh37 (hg19) VCF-style: chr1-100380996-GA-G.
Other names: c.4221delA, p.Lys1407Asnfs (NM_000028.3, NM_000643.3, NM_000644.3 and 1 more transcripts); c.4173delA, p.Lys1391Asnfs (NM_000646.3); c.4200delA, p.Lys1400Asnfs (NM_001425326.1); c.4020delA, p.Lys1340Asnfs (NM_001425327.1); c.4017delA, p.Lys1339Asnfs (NM_001425328.1); c.3882delA, p.Lys1294Asnfs (NM_001425329.1); c.3843delA, p.Lys1281Asnfs (NM_001425332.1); c.4221del (NM_000642.2); short protein forms K1391fs, K1407fs.
Identifiers: ClinVar variation 633033 (VCV000633033.14), dbSNP rs786204655, ClinGen allele CA524710817.
Genomic context (GRCh38, chr1:99,915,440, plus strand): 5'-ATTCACTAGGCCCCTGAGCTCTTTACTACAGAAAAAGCATGGAAAGCTTTGGAGATTGCA[GA>G]AAAAAAATTGCTTGGTCCCCTTGGCATGAAAACTTTAGATCCAGAGTAAGTTGGAATATA-3'